The following is an entry in ClinVar:

ClinVar aggregate classification (germline): Likely pathogenic (1 of 4 stars; one submission).

Submission:

GeneDx
Classification: Likely pathogenic. Last evaluated: 2017-11-21. Review status: criteria provided, single submitter. Criteria: GeneDx Variant Classification (06012015). Collection method: clinical testing. Allele origin: germline. Affected: yes.
Comment: The c.2598+1G>C variant in the LOXHD1 gene has not been reported previously as a pathogenic variant nor as a benign variant, to our knowledge. This splice site variant destroys the canonical splice donor site in intron 18. It is predicted to cause abnormal gene splicing, either leading to an abnormal message that is subject to nonsense-mediated mRNA decay, or to an abnormal protein product if the message is used for protein translation. The c.2598+1G>C variant is not observed in large population cohorts (Lek et al., 2016). We interpret c.2598+1G>C as a likely pathogenic variant.

NM_001384474.1(LOXHD1):c.2598+1G>C

Gene: LOXHD1 (lipoxygenase homology PLAT domains 1; minus strand). Cytogenetic location: 18q21.1.
Variant type: single nucleotide variant.
Coding change: c.2598+1G>C on transcript NM_001384474.1 (MANE Select); the canonical splice donor site of the intron after coding-DNA position 2598, G replaced by C.
Molecular consequence: splice donor variant.
Genome position (GRCh38, 1-based): chr18:46,563,064, C>G on the plus strand (G>C on the coding strand, the complement: LOXHD1 is on the minus strand). VCF-style: chr18-46563064-C-G. GRCh37 (hg19) VCF-style: chr18-44143027-C-G.
Other names: c.2598+1G>C (NM_144612.7).
Identifiers: ClinVar variation 489135 (VCV000489135.2), dbSNP rs1555680544, ClinGen allele CA402372175.
Genomic context (GRCh38, chr18:46,563,064, plus strand): 5'-GGAAGCATCTTGGTGTCCACTGAGCCTGCTGTTGGCACCCCCGCTCCTCGACCCCACATA[C>G]CTGGAATGTGTCCTTGGACGCCCGTTCAAAAACTTTTGAGCGGCTGGAGAGGAAGAGCAC-3'